The following is an entry in ClinVar:

ClinVar aggregate classification (germline): Uncertain significance. Review status: criteria provided, multiple submitters, no conflicts (2 of 4 stars). 3 submissions from 3 submitters: Uncertain significance (3). Last evaluated 2025-06-11.

Conditions:
Finnish congenital nephrotic syndrome (NPHS1). Also called: NEPHROTIC SYNDROME, TYPE 1. Identifiers: Orphanet 839, MedGen C0403399, MONDO:0009732, OMIM 256300.
Inborn genetic diseases. Identifiers: MedGen C0950123, MeSH D030342.

Allele frequency attached by ClinVar (database versions not stated): gnomAD 0.00001; gnomAD exomes 0.00002 and 0.00003; TOPMed 0.00002; ExAC 0.00004.

Submissions (3):

Ambry Genetics
Classification: Uncertain significance for Inborn genetic diseases. Last evaluated: 2025-06-11. Review status: criteria provided, single submitter. Criteria: Ambry Variant Classification Scheme 2023. Collection method: clinical testing. Allele origin: germline.

Fulgent Genetics
Classification: Uncertain significance for Finnish congenital nephrotic syndrome. Last evaluated: 2022-03-18. Review status: criteria provided, single submitter. Criteria: ACMG Guidelines, 2015. Collection method: clinical testing. Allele origin: unknown.

Labcorp Genetics (formerly Invitae), Labcorp
Classification: Uncertain significance. Last evaluated: 2021-12-14. Review status: criteria provided, single submitter. Criteria: Invitae Variant Classification Sherloc (09022015). Collection method: clinical testing. Allele origin: germline.
Comment: This sequence change replaces threonine, which is neutral and polar, with methionine, which is neutral and non-polar, at codon 890 of the NPHS1 protein (p.Thr890Met). This variant is present in population databases (rs773622352, gnomAD 0.006%). This variant has not been reported in the literature in individuals affected with NPHS1-related conditions. Advanced modeling of protein sequence and biophysical properties (such as structural, functional, and spatial information, amino acid conservation, physicochemical variation, residue mobility, and thermodynamic stability) performed at Invitae indicates that this missense variant is not expected to disrupt NPHS1 protein function. In summary, the available evidence is currently insufficient to determine the role of this variant in disease. Therefore, it has been classified as a Variant of Uncertain Significance.

NM_004646.4(NPHS1):c.2669C>T (p.Thr890Met)

Gene: NPHS1 (NPHS1 adhesion molecule, nephrin; minus strand). Cytogenetic location: 19q13.12.
Variant type: single nucleotide variant.
Coding change: c.2669C>T on transcript NM_004646.4 (MANE Select); coding-DNA position 2669, C replaced by T.
Protein change: p.Thr890Met; replaces threonine 890 with methionine.
Molecular consequence: missense variant.
Genome position (GRCh38, 1-based): chr19:35,841,861, G>A on the plus strand (C>T on the coding strand, the complement: NPHS1 is on the minus strand). VCF-style: chr19-35841861-G-A. GRCh37 (hg19) VCF-style: chr19-36332763-G-A.
Other names: c.2669C>T (NM_004646.3); short protein forms T890M.
Identifiers: ClinVar variation 1421742 (VCV001421742.5), dbSNP rs773622352, ClinGen allele CA9390054.
Genomic context (GRCh38, chr19:35,841,861, plus strand): 5'-GACACGTTGGCAATGGTCAGGAGGCTGCTGTGGACACCACCCTGGTGGTATGTGTGCTCC[G>A]TGTACCTAGAGAGAAGGTAGGGCACCACTCACCCTTCCATTCACCCAACCACTTATGCTT-3'
Protein context (NP_004637.1, residues 880-900): VPLDLQDPRY[Thr890Met]EHTYHQGGVH